The following is an entry in ClinVar:

NM_001276270.2(MBD4):c.1507T>C (p.Tyr503His)

Gene: MBD4 (methyl-CpG binding domain 4, DNA glycosylase; minus strand). Cytogenetic location: 3q21.3.
Variant type: single nucleotide variant.
Coding change: c.1507T>C on transcript NM_001276270.2 (MANE Select); coding-DNA position 1507, T replaced by C.
Protein change: p.Tyr503His; replaces tyrosine 503 with histidine.
Molecular consequence: missense variant.
Genome position (GRCh38, 1-based): chr3:129,433,134, A>G on the plus strand (T>C on the coding strand, the complement: MBD4 is on the minus strand). VCF-style: chr3-129433134-A-G. GRCh37 (hg19) VCF-style: chr3-129151977-A-G.
Other names: c.1525T>C, p.Tyr509His (NM_001276271.2, NM_001276272.2, NM_003925.3); c.571T>C, p.Tyr191His (NM_001276273.2); short protein forms Y503H, Y191H, Y509H.
Identifiers: ClinVar variation 4735033 (VCV004735033.1).
Genomic context (GRCh38, chr3:129,433,134, plus strand): 5'-TCCTTTGGGTGTATAGGAAAATACCTGAGAACTTGACAATGGTTTTTGCCCGAAGATCGT[A>G]GAGACCAAGAGGTTTAAGAAGTTCTGACACATCTCTCCAGTCTGCGGTTCTTGCTACCTC-3'
Protein context (NP_001263199.1, residues 493-513): VSELLKPLGL[Tyr503His]DLRAKTIVKF

ClinVar aggregate classification (germline): Uncertain significance (1 of 4 stars; one submission).

gnomAD v4.1: 2 of 1,614,232 alleles (0.00012%); no homozygotes.

Submission:

Labcorp Genetics (formerly Invitae), Labcorp
Classification: Uncertain significance. Last evaluated: 2026-01-10. Review status: criteria provided, single submitter. Criteria: Invitae Variant Classification Sherloc (09022015). Collection method: clinical testing. Allele origin: germline.
Comment: This sequence change replaces tyrosine, which is neutral and polar, with histidine, which is basic and polar, at codon 509 of the MBD4 protein (p.Tyr509His). This variant is present in population databases (no rsID available, gnomAD 0.01%). This variant has not been reported in the literature in individuals affected with MBD4-related conditions. An algorithm developed to predict the effect of missense changes on protein structure and function (PolyPhen-2) suggests that this variant is likely to be disruptive. In summary, the available evidence is currently insufficient to determine the role of this variant in disease. Therefore, it has been classified as a Variant of Uncertain Significance.